The following is an entry in ClinVar:

NM_017780.4(CHD7):c.5442G>A (p.Ala1814=)

Gene: CHD7 (chromodomain helicase DNA binding protein 7; plus strand). Cytogenetic location: 8q12.2.
Variant type: single nucleotide variant.
Coding change: c.5442G>A on transcript NM_017780.4 (MANE Select); coding-DNA position 5442, G replaced by A.
Protein change: p.Ala1814=; no amino-acid change (alanine 1814 retained).
Molecular consequence: synonymous variant. On other transcripts: intron variant (1).
Genome position (GRCh38, 1-based): chr8:60,850,530, G>A. VCF-style: chr8-60850530-G-A. GRCh37 (hg19) VCF-style: chr8-61763089-G-A.
Other names: c.1717-11699G>A (NM_001316690.1).
Identifiers: ClinVar variation 702223 (VCV000702223.11), dbSNP rs558567843, ClinGen allele CA4760372.
Genomic context (GRCh38, chr8:60,850,530, plus strand): 5'-GTGCACGGATGGGCACGGCACAGGCTATGAGAAGTACAACTCCATGCGAGCTGACCCCGC[G>A]CTGTGCTTTCTGGAACGAGTCGGTATGCCTGATGCCAAGGCCATAGCTGCCGAGCAAAGA-3'
Protein context (NP_060250.2, residues 1804-1824): EKYNSMRADP[Ala1814=]LCFLERVGMP

ClinVar aggregate classification (germline): Conflicting classifications of pathogenicity. Review status: criteria provided, conflicting classifications (1 of 4 stars). 4 submissions from 4 submitters: Uncertain significance (1); Likely benign (3). Last evaluated 2026-03-12.

Conditions:
Inborn genetic diseases. Identifiers: MedGen C0950123, MeSH D030342.
CHARGE syndrome (CHARGE). Also called: Hittner Hirsch Kreh syndrome; CHARGE ASSOCIATION--COLOBOMA, HEART ANOMALY, CHOANAL ATRESIA, RETARDATION, GENITAL AND EAR ANOMALIES; Coloboma, heart anomaly, choanal atresia, retardation, genital and ear anomalies; CHARGE association; Hall-Hittner syndrome. Identifiers: Orphanet 138, MedGen C0265354, MONDO:0008965.

Allele frequency attached by ClinVar (database versions not stated): gnomAD 0.00001 and 0.00002; TOPMed 0.00002; gnomAD exomes 0.00005; ExAC 0.00006; 1000 Genomes Project 30x 0.00016; 1000 Genomes Project 0.00020.
gnomAD v4.1: 54 of 1,613,642 alleles (0.0033%); highest among the groups gnomAD compares: East Asian, 0.0089%; no homozygotes.

Submissions (4):

Ambry Genetics
Classification: Likely benign for Inborn genetic diseases. Last evaluated: 2026-03-12. Review status: criteria provided, single submitter. Criteria: Ambry Variant Classification Scheme 2023. Collection method: clinical testing. Allele origin: germline.

Labcorp Genetics (formerly Invitae), Labcorp
Classification: Likely benign for CHARGE syndrome. Last evaluated: 2025-06-24. Review status: criteria provided, single submitter. Criteria: Invitae Variant Classification Sherloc (09022015). Collection method: clinical testing. Allele origin: germline.

Blueprint Genetics
Classification: Likely benign. Last evaluated: 2023-09-29. Review status: criteria provided, single submitter. Criteria: ACMG Guidelines, 2015. Collection method: clinical testing. Allele origin: germline.

GeneDx
Classification: Uncertain significance. Last evaluated: 2021-01-21. Review status: criteria provided, single submitter. Criteria: GeneDx Variant Classification Process June 2021. Collection method: clinical testing. Allele origin: germline. Affected: yes.
Comment: Has not been previously published as pathogenic or benign to our knowledge; In-silico analysis, which includes splice predictors and evolutionary conservation, is inconclusive as to whether the variant alters gene splicing. In the absence of RNA/functional studies, the actual effect of this sequence change is unknown.